The following is an entry in ClinVar:

NM_004369.4(COL6A3):c.4510C>A (p.Arg1504=)

Gene: COL6A3 (collagen type VI alpha 3 chain; minus strand). Cytogenetic location: 2q37.3.
Variant type: single nucleotide variant.
Coding change: c.4510C>A on transcript NM_004369.4 (MANE Select); coding-DNA position 4510, C replaced by A.
Protein change: p.Arg1504=; no amino-acid change (arginine 1504 retained).
Molecular consequence: synonymous variant.
Genome position (GRCh38, 1-based): chr2:237,368,953, G>T on the plus strand (C>A on the coding strand, the complement: COL6A3 is on the minus strand). VCF-style: chr2-237368953-G-T. GRCh37 (hg19) VCF-style: chr2-238277596-G-T.
Other names: c.2689C>A, p.Arg897= (NM_057166.5); c.3892C>A, p.Arg1298= (NM_057167.4).
Identifiers: ClinVar variation 286017 (VCV000286017.14), dbSNP rs144223596, ClinGen allele CA2188877.

ClinVar aggregate classification (germline): Conflicting classifications of pathogenicity. Review status: criteria provided, conflicting classifications (1 of 4 stars). 3 submissions from 3 submitters: Uncertain significance (1); Likely benign (1). 1 of the submissions does not count toward it. Last evaluated 2025-11-05.

Conditions:
COL6A3-related disorder. Also called: COL6A3-related disorders; COL6A3-related condition.
Bethlem myopathy 1A. Also called: Bethlem Muscular Dystrophy; MYOPATHY, BENIGN CONGENITAL, WITH CONTRACTURES; Bethlem myopathy 1. Identifiers: Orphanet 610, MedGen CN029274, MONDO:0024530, OMIM 158810.

Allele frequency attached by ClinVar (database versions not stated): TOPMed 0.00005.
gnomAD v4.1: 18 of 1,614,118 alleles (0.0011%); highest among the groups gnomAD compares: African/African-American, 0.016%; no homozygotes.

Submissions (3):

Labcorp Genetics (formerly Invitae), Labcorp
Classification: Likely benign for Bethlem myopathy 1A. Last evaluated: 2025-11-05. Review status: criteria provided, single submitter. Criteria: Invitae Variant Classification Sherloc (09022015). Collection method: clinical testing. Allele origin: germline.

Eurofins Ntd Llc (ga)
Classification: Uncertain significance. Last evaluated: 2016-02-02. Review status: criteria provided, single submitter. Criteria: EGL Classification Definitions 2015. Collection method: clinical testing. Allele origin: germline. Observed: 1 variant allele, 1 heterozygote.

PreventionGenetics, part of Exact Sciences
Classification: Likely benign for COL6A3-related condition. Last evaluated: 2022-12-09. Review status: no assertion criteria provided. Collection method: clinical testing. Allele origin: germline. Not counted in ClinVar's aggregate classification.
Comment: This variant is classified as likely benign based on ACMG/AMP sequence variant interpretation guidelines (Richards et al. 2015 PMID: 25741868, with internal and published modifications).